The following is an entry in ClinVar:

NM_016180.5(SLC45A2):c.1208C>G (p.Thr403Arg)

Gene: SLC45A2 (solute carrier family 45 member 2; minus strand). Cytogenetic location: 5p13.2.
Variant type: single nucleotide variant.
Coding change: c.1208C>G on transcript NM_016180.5 (MANE Select); coding-DNA position 1208, C replaced by G.
Protein change: p.Thr403Arg; replaces threonine 403 with arginine.
Molecular consequence: missense variant.
Genome position (GRCh38, 1-based): chr5:33,947,323, G>C on the plus strand (C>G on the coding strand, the complement: SLC45A2 is on the minus strand). VCF-style: chr5-33947323-G-C. GRCh37 (hg19) VCF-style: chr5-33947428-G-C.
Other names: c.1208C>G, p.Thr403Arg (NM_001012509.4); short protein forms T403R.
Identifiers: ClinVar variation 1354509 (VCV001354509.5), dbSNP rs141286272, ClinGen allele CA359388952.

ClinVar aggregate classification (germline): Uncertain significance (1 of 4 stars; one submission).

gnomAD v4.1: 15 of 1,614,188 alleles (0.00093%); highest among the groups gnomAD compares: Non-Finnish European, 0.0011%; 1 homozygote.

Submission:

Labcorp Genetics (formerly Invitae), Labcorp
Classification: Uncertain significance. Last evaluated: 2024-12-02. Review status: criteria provided, single submitter. Criteria: Invitae Variant Classification Sherloc (09022015). Collection method: clinical testing. Allele origin: germline.
Comment: This sequence change replaces threonine, which is neutral and polar, with arginine, which is basic and polar, at codon 403 of the SLC45A2 protein (p.Thr403Arg). This variant is present in population databases (no rsID available, gnomAD 0.0009%). This variant has not been reported in the literature in individuals affected with SLC45A2-related conditions. ClinVar contains an entry for this variant (Variation ID: 1354509). Invitae Evidence Modeling of protein sequence and biophysical properties (such as structural, functional, and spatial information, amino acid conservation, physicochemical variation, residue mobility, and thermodynamic stability) indicates that this missense variant is not expected to disrupt SLC45A2 protein function with a negative predictive value of 80%. Algorithms developed to predict the effect of sequence changes on RNA splicing suggest that this variant may disrupt the consensus splice site. In summary, the available evidence is currently insufficient to determine the role of this variant in disease. Therefore, it has been classified as a Variant of Uncertain Significance.